The following is an entry in ClinVar:

NM_012448.4(STAT5B):c.1925A>G (p.Asn642Ser)

Gene: STAT5B (signal transducer and activator of transcription 5B; minus strand). Cytogenetic location: 17q21.2.
Variant type: single nucleotide variant.
Coding change: c.1925A>G on transcript NM_012448.4 (MANE Select); coding-DNA position 1925, A replaced by G.
Protein change: p.Asn642Ser; replaces asparagine 642 with serine.
Molecular consequence: missense variant.
Genome position (GRCh38, 1-based): chr17:42,207,710, T>C on the plus strand (A>G on the coding strand, the complement: STAT5B is on the minus strand). VCF-style: chr17-42207710-T-C. GRCh37 (hg19) VCF-style: chr17-40359728-T-C.
Other names: short protein forms N642S.
Identifiers: ClinVar variation 1489840 (VCV001489840.6), dbSNP rs2144211064, ClinGen allele CA399575951.

ClinVar aggregate classification (germline): Uncertain significance (1 of 4 stars; one submission).

Conditions:
Growth hormone insensitivity with immune dysregulation 1, autosomal recessive. Also called: GROWTH HORMONE INSENSITIVITY SYNDROME WITH IMMUNE DYSREGULATION 1, AUTOSOMAL RECESSIVE; Laron syndrome with immunodeficiency; GROWTH HORMONE INSENSITIVITY DUE TO POSTRECEPTOR DEFECT; LARON SYNDROME DUE TO POSTRECEPTOR DEFECT. Identifiers: Orphanet 220465, MedGen C5435698, MONDO:0100211, OMIM 245590.

Submission:

Labcorp Genetics (formerly Invitae), Labcorp
Classification: Uncertain significance for Growth hormone insensitivity with immune dysregulation 1, autosomal recessive. Last evaluated: 2021-11-19. Review status: criteria provided, single submitter. Criteria: Invitae Variant Classification Sherloc (09022015). Collection method: clinical testing. Allele origin: germline.
Comment: In summary, the available evidence is currently insufficient to determine the role of this variant in disease. Therefore, it has been classified as a Variant of Uncertain Significance. Algorithms developed to predict the effect of missense changes on protein structure and function (SIFT, PolyPhen-2, Align-GVGD) all suggest that this variant is likely to be tolerated. This variant has not been reported in the literature in individuals affected with STAT5B-related conditions. This variant is not present in population databases (gnomAD no frequency). This sequence change replaces asparagine, which is neutral and polar, with serine, which is neutral and polar, at codon 642 of the STAT5B protein (p.Asn642Ser).